The following is an entry in ClinVar:

ClinVar aggregate classification (germline): Uncertain significance (1 of 4 stars; one submission).

Submission:

Labcorp Genetics (formerly Invitae), Labcorp
Classification: Uncertain significance. Last evaluated: 2024-10-29. Review status: criteria provided, single submitter. Criteria: Invitae Variant Classification Sherloc (09022015). Collection method: clinical testing. Allele origin: germline.
Comment: This sequence change replaces phenylalanine, which is neutral and non-polar, with valine, which is neutral and non-polar, at codon 96 of the PEPD protein (p.Phe96Val). This variant is not present in population databases (gnomAD no frequency). This variant has not been reported in the literature in individuals affected with PEPD-related conditions. ClinVar contains an entry for this variant (Variation ID: 1347418). Invitae Evidence Modeling of protein sequence and biophysical properties (such as structural, functional, and spatial information, amino acid conservation, physicochemical variation, residue mobility, and thermodynamic stability) has been performed for this missense variant. However, the output from this modeling did not meet the statistical confidence thresholds required to predict the impact of this variant on PEPD protein function. In summary, the available evidence is currently insufficient to determine the role of this variant in disease. Therefore, it has been classified as a Variant of Uncertain Significance.

NM_000285.4(PEPD):c.286T>G (p.Phe96Val)

Gene: PEPD (peptidase D; minus strand). Cytogenetic location: 19q13.11.
Variant type: single nucleotide variant.
Coding change: c.286T>G on transcript NM_000285.4 (MANE Select); coding-DNA position 286, T replaced by G.
Protein change: p.Phe96Val; replaces phenylalanine 96 with valine.
Molecular consequence: missense variant. On other transcripts: intron variant (1).
Genome position (GRCh38, 1-based): chr19:33,511,071, A>C on the plus strand (T>G on the coding strand, the complement: PEPD is on the minus strand). VCF-style: chr19-33511071-A-C. GRCh37 (hg19) VCF-style: chr19-34001977-A-C.
Other names: c.286T>G, p.Phe96Val (NM_001166056.2); c.201+1522T>G (NM_001166057.2); short protein forms F96V.
Identifiers: ClinVar variation 1347418 (VCV001347418.6), dbSNP rs2145353205, ClinGen allele CA405232164.